The following is an entry in ClinVar:

NM_032802.4(SPPL2A):c.1415C>G (p.Thr472Arg)

Gene: SPPL2A (signal peptide peptidase like 2A; minus strand). Cytogenetic location: 15q21.2.
Variant type: single nucleotide variant.
Coding change: c.1415C>G on transcript NM_032802.4 (MANE Select); coding-DNA position 1415, C replaced by G.
Protein change: p.Thr472Arg; replaces threonine 472 with arginine.
Molecular consequence: missense variant.
Genome position (GRCh38, 1-based): chr15:50,720,013, G>C on the plus strand (C>G on the coding strand, the complement: SPPL2A is on the minus strand). VCF-style: chr15-50720013-G-C. GRCh37 (hg19) VCF-style: chr15-51012210-G-C.
Other names: short protein forms T472R.
Identifiers: ClinVar variation 2694199 (VCV002694199.3), dbSNP rs768206623, ClinGen allele CA392407397.

ClinVar aggregate classification (germline): Uncertain significance (1 of 4 stars; one submission).

Submission:

Labcorp Genetics (formerly Invitae), Labcorp
Classification: Uncertain significance. Last evaluated: 2024-02-14. Review status: criteria provided, single submitter. Criteria: Invitae Variant Classification Sherloc (09022015). Collection method: clinical testing. Allele origin: germline.
Comment: This sequence change replaces threonine, which is neutral and polar, with arginine, which is basic and polar, at codon 472 of the SPPL2A protein (p.Thr472Arg). This variant is not present in population databases (gnomAD no frequency). This variant has not been reported in the literature in individuals affected with SPPL2A-related conditions. An algorithm developed to predict the effect of missense changes on protein structure and function (PolyPhen-2) suggests that this variant is likely to be disruptive. Algorithms developed to predict the effect of sequence changes on RNA splicing suggest that this variant may create or strengthen a splice site. In summary, the available evidence is currently insufficient to determine the role of this variant in disease. Therefore, it has been classified as a Variant of Uncertain Significance.